The following is an entry in ClinVar:

ClinVar aggregate classification (germline): Uncertain significance (1 of 4 stars; one submission).

Submission:

GeneDx
Classification: Uncertain significance. Last evaluated: 2024-10-31. Review status: criteria provided, single submitter. Criteria: GeneDx Variant Classification Process June 2021. Collection method: clinical testing. Allele origin: germline. Affected: yes.
Comment: Not observed at significant frequency in large population cohorts (gnomAD); In silico analysis supports that this missense variant has a deleterious effect on protein structure/function; Has not been previously published as pathogenic or benign to our knowledge

NM_001202.6(BMP4):c.645T>G (p.Phe215Leu)

Gene: BMP4 (bone morphogenetic protein 4; minus strand). Cytogenetic location: 14q22.2.
Variant type: single nucleotide variant.
Coding change: c.645T>G on transcript NM_001202.6 (MANE Select); coding-DNA position 645, T replaced by G.
Protein change: p.Phe215Leu; replaces phenylalanine 215 with leucine.
Molecular consequence: missense variant.
Genome position (GRCh38, 1-based): chr14:53,950,614, A>C on the plus strand (T>G on the coding strand, the complement: BMP4 is on the minus strand). VCF-style: chr14-53950614-A-C. GRCh37 (hg19) VCF-style: chr14-54417332-A-C.
Other names: c.786T>G, p.Phe262Leu (NM_001347912.1); c.456T>G, p.Phe152Leu (NM_001347913.2, NM_001347915.2, NM_001347917.1); c.645T>G, p.Phe215Leu (NM_001347914.2, NM_001347916.1, NM_130850.5 and 1 more transcripts); short protein forms F152L, F215L, F262L.
Identifiers: ClinVar variation 3897192 (VCV003897192.1).